The following is an entry in ClinVar:

NM_002474.3(MYH11):c.5092_5093delinsAG (p.Ala1698Ser)

Genes: NDE1 (nudE neurodevelopment protein 1; plus strand), MYH11 (myosin heavy chain 11; minus strand). Cytogenetic location: 16p13.11.
Variant type: Indel.
Coding change: c.5092_5093delinsAG on transcript NM_002474.3 (MANE Select); coding-DNA positions 5092 to 5093, GC replaced by AG.
Protein change: p.Ala1698Ser; replaces alanine 1698 with serine.
Molecular consequence: missense variant. On other transcripts: intron variant (2).
Genome position (GRCh38, 1-based): chr16:15,719,298-15,719,299, GC replaced by CT on the plus strand (GC replaced by AG on the coding strand, the reverse complement: MYH11 is on the minus strand). VCF-style: chr16-15719298-GC-CT. GRCh37 (hg19) VCF-style: chr16-15813155-GC-CT.
Other names: c.5092_5093delinsAG (NM_002474.2); c.5113_5114delinsAG, p.Ala1705Ser (NM_001040113.2, NM_001040114.2); c.5092_5093delinsAG, p.Ala1698Ser (NM_022844.3); c.948-4893_948-4892delinsCT (NM_001143979.2, NM_017668.3); short protein forms A1705S, A1698S.
Identifiers: ClinVar variation 923544 (VCV000923544.10), dbSNP rs2040340393, ClinGen allele CA913188676.
Genomic context (GRCh38, chr16:15,719,298, plus strand): 5'-GCCAGCTCCTCTGCCAGTTCCTCCTTCTCGAGGTCCGCTTGTTTGCGAGCCCTCTCAGCG[GC>CT]GGCGAGGTCCTAGGTGGGAGGGAGGAAGGCTGTTGTCTGCCAGGGAAAGGCCAAGCCCCA-3'
Protein context (NP_002465.1, residues 1688-1708): DLMQLQEDLA[Ala1698Ser]AERARKQADL

ClinVar aggregate classification (germline): Uncertain significance. Review status: criteria provided, multiple submitters, no conflicts (2 of 4 stars). 4 submissions from 4 submitters: Uncertain significance (4). Last evaluated 2025-11-03.

Conditions:
Familial thoracic aortic aneurysm and aortic dissection (TAAD). Also called: Thoracic aortic aneurysms and dissections. Identifiers: Orphanet 91387, MedGen C4707243, MONDO:0019625.
Aortic aneurysm, familial thoracic 4 (AAT4). Also called: AORTIC ANEURYSM/AORTIC DISSECTION AND PATENT DUCTUS ARTERIOSUS. Identifiers: MedGen C1851504, MONDO:0007568, OMIM 132900.

Submissions (4):

Labcorp Genetics (formerly Invitae), Labcorp
Classification: Uncertain significance for Aortic aneurysm, familial thoracic 4. Last evaluated: 2025-11-03. Review status: criteria provided, single submitter. Criteria: Invitae Variant Classification Sherloc (09022015). Collection method: clinical testing. Allele origin: germline.
Comment: This sequence change replaces alanine, which is neutral and non-polar, with serine, which is neutral and polar, at codon 1705 of the MYH11 protein (p.Ala1705Ser). The frequency data for this variant in the population databases is considered unreliable, as metrics indicate poor data quality at this position in the gnomAD database. This variant has not been reported in the literature in individuals affected with MYH11-related conditions. ClinVar contains an entry for this variant (Variation ID: 923544). An algorithm developed to predict the effect of missense changes on protein structure and function (PolyPhen-2) suggests that this variant is likely to be tolerated. In summary, the available evidence is currently insufficient to determine the role of this variant in disease. Therefore, it has been classified as a Variant of Uncertain Significance.

GeneDx
Classification: Uncertain significance. Last evaluated: 2024-12-19. Review status: criteria provided, single submitter. Criteria: GeneDx Variant Classification Process June 2021. Collection method: clinical testing. Allele origin: germline. Affected: yes.
Comment: Not observed at significant frequency in large population cohorts (gnomAD); Has not been previously published as pathogenic or benign to our knowledge

Color Diagnostics, LLC DBA Color Health
Classification: Uncertain significance for Familial thoracic aortic aneurysm and aortic dissection. Last evaluated: 2023-12-04. Review status: criteria provided, single submitter. Criteria: ACMG Guidelines, 2015. Collection method: clinical testing. Allele origin: germline.
Comment: This missense variant replaces alanine with serine at codon 1705 of the MYH11 protein. To our knowledge, functional studies have not been reported for this variant. This variant has not been reported in individuals affected with cardiovascular disorders in the literature. This variant has not been identified in the general population by the Genome Aggregation Database (gnomAD). The available evidence is insufficient to determine the role of this variant in disease conclusively. Therefore, this variant is classified as a Variant of Uncertain Significance.

Revvity Omics, Revvity
Classification: Uncertain significance. Last evaluated: 2021-07-07. Review status: criteria provided, single submitter. Criteria: ACMG Guidelines, 2015. Collection method: clinical testing. Allele origin: germline.